The following is an entry in ClinVar:

ClinVar aggregate classification (germline): Benign/Likely benign. Review status: criteria provided, multiple submitters, no conflicts (2 of 4 stars). 6 submissions from 6 submitters: Benign (2); Likely benign (3). 1 of the submissions does not count toward it. Last evaluated 2026-07-09.

Conditions:
SMARCA4-related disorder. Also called: SMARCA4-related condition.
Hereditary cancer-predisposing syndrome. Also called: Hereditary Cancer Syndrome; Hereditary neoplastic syndrome; Neoplastic Syndromes, Hereditary; Tumor predisposition. Identifiers: Orphanet 140162, MedGen C0027672, MeSH D009386, MONDO:0015356.
Rhabdoid tumor predisposition syndrome 2 (RTPS2). Identifiers: Orphanet 231108, Orphanet 69077, MedGen C2750074, MONDO:0013224, OMIM 613325.

Allele frequency attached by ClinVar (database versions not stated): gnomAD exomes 0.00002 and 0.00001; 1000 Genomes Project 0.00040; ExAC 0.00001; gnomAD 0.00001 and 0.00003; 1000 Genomes Project 30x 0.00031.
gnomAD v4.1: 18 of 1,600,916 alleles (0.0011%); highest among the groups gnomAD compares: East Asian, 0.014%; no homozygotes.

Submissions (6):

Myriad Genetics, Inc.
Classification: Benign for Rhabdoid tumor predisposition syndrome 2. Last evaluated: 2026-07-09. Review status: criteria provided, single submitter. Criteria: Myriad Autosomal Dominant, Autosomal Recessive and X-Linked Classification Criteria (2023). Collection method: clinical testing. Allele origin: unknown.
Comment: This variant is considered benign. This variant is a silent/synonymous amino acid change and it is not expected to impact splicing.

Labcorp Genetics (formerly Invitae), Labcorp
Classification: Likely benign for Rhabdoid tumor predisposition syndrome 2. Last evaluated: 2026-01-14. Review status: criteria provided, single submitter. Criteria: Invitae Variant Classification Sherloc (09022015). Collection method: clinical testing. Allele origin: germline.

Quest Diagnostics Nichols Institute San Juan Capistrano
Classification: Benign. Last evaluated: 2025-10-09. Review status: criteria provided, single submitter. Criteria: Quest Diagnostics criteria. Collection method: clinical testing. Allele origin: unknown.

Sema4
Classification: Likely benign for Hereditary cancer-predisposing syndrome. Last evaluated: 2022-01-21. Review status: criteria provided, single submitter. Criteria: Sema4 Curation Guidelines. Collection method: curation. Allele origin: germline.

Ambry Genetics
Classification: Likely benign for Hereditary cancer-predisposing syndrome. Last evaluated: 2015-11-10. Review status: criteria provided, single submitter. Criteria: Ambry Variant Classification Scheme 2023. Collection method: clinical testing. Allele origin: germline.

PreventionGenetics, part of Exact Sciences
Classification: Likely benign for SMARCA4-related condition. Last evaluated: 2020-08-06. Review status: no assertion criteria provided. Collection method: clinical testing. Allele origin: germline. Not counted in ClinVar's aggregate classification.
Comment: This variant is classified as likely benign based on ACMG/AMP sequence variant interpretation guidelines (Richards et al. 2015 PMID: 25741868, with internal and published modifications).

NM_003072.5(SMARCA4):c.984G>A (p.Pro328=)

Gene: SMARCA4 (SWI/SNF related BAF chromatin remodeling complex subunit ATPase 4; plus strand). Cytogenetic location: 19p13.2.
Variant type: single nucleotide variant.
Coding change: c.984G>A on transcript NM_003072.5 (MANE Select); coding-DNA position 984, G replaced by A.
Protein change: p.Pro328=; no amino-acid change (proline 328 retained).
Molecular consequence: synonymous variant. On other transcripts: non-coding transcript variant (1).
Genome position (GRCh38, 1-based): chr19:10,987,790, G>A. VCF-style: chr19-10987790-G-A. GRCh37 (hg19) VCF-style: chr19-11098466-G-A.
Other names: c.984G>A, p.Pro328= (NM_001128844.3, NM_001128845.2, NM_001128846.2 and 5 more transcripts).
Identifiers: ClinVar variation 415059 (VCV000415059.21), dbSNP rs571366505, ClinGen allele CA9203649.